The following is an entry in ClinVar:

ClinVar aggregate classification (germline): Uncertain significance (1 of 4 stars; one submission).

Conditions:
Inborn genetic diseases. Identifiers: MedGen C0950123, MeSH D030342.

Submission:

Ambry Genetics
Classification: Uncertain significance for Inborn genetic diseases. Last evaluated: 2026-01-18. Review status: criteria provided, single submitter. Criteria: Ambry Variant Classification Scheme 2023. Collection method: clinical testing. Allele origin: germline.
Comment: The p.M28L variant (also known as c.82A>T), located in coding exon 2 of the CEP57 gene, results from an A to T substitution at nucleotide position 82. The methionine at codon 28 is replaced by leucine, an amino acid with highly similar properties. This amino acid position is conserved. In addition, this alteration is predicted to be tolerated by in silico analysis. Based on the available evidence, the clinical significance of this variant remains unclear.

NM_014679.5(CEP57):c.82A>T (p.Met28Leu)

Gene: CEP57 (centrosomal protein 57; plus strand). Cytogenetic location: 11q21.
Variant type: single nucleotide variant.
Coding change: c.82A>T on transcript NM_014679.5 (MANE Select); coding-DNA position 82, A replaced by T.
Protein change: p.Met28Leu; replaces methionine 28 with leucine.
Molecular consequence: missense variant. On other transcripts: initiator codon variant (7).
Genome position (GRCh38, 1-based): chr11:95,799,268, A>T. VCF-style: chr11-95799268-A-T. GRCh37 (hg19) VCF-style: chr11-95532432-A-T.
Other names: c.55A>T, p.Met19Leu (NM_001243776.2); c.82A>T, p.Met28Leu (NM_001243777.2, NM_001440871.1, NM_001440872.1 and 6 more transcripts); c.1A>T, p.Met1Leu (NM_001363604.2, NM_001440869.1, NM_001440870.1 and 4 more transcripts); short protein forms M19L, M28L, M1L.
Identifiers: ClinVar variation 4845099 (VCV004845099.1).